The following is an entry in ClinVar:

ClinVar aggregate classification (germline): Conflicting classifications of pathogenicity. Review status: criteria provided, conflicting classifications (1 of 4 stars). 5 submissions from 5 submitters: Uncertain significance (4); Likely benign (1). Last evaluated 2025-10-02.

Conditions:
Bethlem myopathy 1A. Also called: Bethlem Muscular Dystrophy; MYOPATHY, BENIGN CONGENITAL, WITH CONTRACTURES; Bethlem myopathy 1. Identifiers: Orphanet 610, MedGen CN029274, MONDO:0024530, OMIM 158810.

Allele frequency attached by ClinVar (database versions not stated): gnomAD exomes 0.00007 and 0.00018; TOPMed 0.00008; ESP Exome Variant Server 0.00015; ExAC 0.00005; gnomAD 0.00011.
gnomAD v4.1: 295 of 1,612,484 alleles (0.018%); highest among the groups gnomAD compares: Non-Finnish European, 0.022%; 1 homozygote.

Submissions (5):

Labcorp Genetics (formerly Invitae), Labcorp
Classification: Likely benign for Bethlem myopathy 1A. Last evaluated: 2025-10-02. Review status: criteria provided, single submitter. Criteria: Invitae Variant Classification Sherloc (09022015). Collection method: clinical testing. Allele origin: germline.

Mayo Clinic Laboratories, Mayo Clinic
Classification: Uncertain significance. Last evaluated: 2025-07-15. Review status: criteria provided, single submitter. Criteria: ACMG Guidelines, 2015. Collection method: clinical testing. Allele origin: germline. Observed: 2 variant alleles.
Comment: BP4_moderate

Revvity Omics, Revvity
Classification: Uncertain significance. Last evaluated: 2025-02-04. Review status: criteria provided, single submitter. Criteria: ACMG Guidelines, 2015. Collection method: clinical testing. Allele origin: germline.

GeneDx
Classification: Uncertain significance. Last evaluated: 2024-04-10. Review status: criteria provided, single submitter. Criteria: GeneDx Variant Classification Process June 2021. Collection method: clinical testing. Allele origin: germline.
Comment: In silico analysis indicates that this missense variant does not alter protein structure/function; Has not been previously published as pathogenic or benign to our knowledge

Eurofins Ntd Llc (ga)
Classification: Uncertain significance. Last evaluated: 2017-09-22. Review status: criteria provided, single submitter. Criteria: EGL Classification Definitions 2015. Collection method: clinical testing. Allele origin: germline. Observed: 2 variant alleles, 2 heterozygotes.

NM_001849.4(COL6A2):c.2293G>A (p.Glu765Lys)

Gene: COL6A2 (collagen type VI alpha 2 chain; plus strand). Cytogenetic location: 21q22.3.
Variant type: single nucleotide variant.
Coding change: c.2293G>A on transcript NM_001849.4 (MANE Select); coding-DNA position 2293, G replaced by A.
Protein change: p.Glu765Lys; replaces glutamic acid 765 with lysine.
Molecular consequence: missense variant.
Genome position (GRCh38, 1-based): chr21:46,126,108, G>A. VCF-style: chr21-46126108-G-A. GRCh37 (hg19) VCF-style: chr21-47546022-G-A.
Other names: p.Glu765Lys; c.2293G>A, p.Glu765Lys (NM_058174.3, NM_058175.3); short protein forms E765K.
Identifiers: ClinVar variation 594141 (VCV000594141.18), dbSNP rs369344885, ClinGen allele CA10072507.
Genomic context (GRCh38, chr21:46,126,108, plus strand): 5'-CGGGCGCTGTGCGACCGCGACGTCACAGTGACGGCCATCGGCATCGGGGACATGTTCCAC[G>A]AGAAGCACGAGAGTGAAAACCTCTACTCCATCGCCTGCGACAAGCCACAGCAGGTGCGCA-3'
Protein context (NP_001840.3, residues 755-775): TAIGIGDMFH[Glu765Lys]KHESENLYSI